The following is an entry in ClinVar:

NM_015192.4(PLCB1):c.3273G>A (p.Met1091Ile)

Gene: PLCB1 (phospholipase C beta 1; plus strand). Cytogenetic location: 20p12.3.
Variant type: single nucleotide variant.
Coding change: c.3273G>A on transcript NM_015192.4 (MANE Select); coding-DNA position 3273, G replaced by A.
Protein change: p.Met1091Ile; replaces methionine 1091 with isoleucine.
Molecular consequence: missense variant.
Genome position (GRCh38, 1-based): chr20:8,788,717, G>A. VCF-style: chr20-8788717-G-A. GRCh37 (hg19) VCF-style: chr20-8769364-G-A.
Other names: c.3273G>A (NM_015192.2); c.3273G>A, p.Met1091Ile (NM_182734.3); short protein forms M1091I.
Identifiers: ClinVar variation 1037939 (VCV001037939.8), dbSNP rs1983608682, ClinGen allele CA408209829.

ClinVar aggregate classification (germline): Uncertain significance. Review status: criteria provided, multiple submitters, no conflicts (2 of 4 stars). 2 submissions from 2 submitters: Uncertain significance (2). Last evaluated 2025-05-19.

Conditions:
Inborn genetic diseases. Identifiers: MedGen C0950123, MeSH D030342.
Developmental and epileptic encephalopathy, 12 (DEE12). Identifiers: MedGen C3150988, MONDO:0013389, OMIM 613722.

Submissions (2):

Ambry Genetics
Classification: Uncertain significance for Inborn genetic diseases. Last evaluated: 2025-05-19. Review status: criteria provided, single submitter. Criteria: Ambry Variant Classification Scheme 2023. Collection method: clinical testing. Allele origin: germline.

Labcorp Genetics (formerly Invitae), Labcorp
Classification: Uncertain significance for Developmental and epileptic encephalopathy, 12. Last evaluated: 2021-08-06. Review status: criteria provided, single submitter. Criteria: Invitae Variant Classification Sherloc (09022015). Collection method: clinical testing. Allele origin: germline.
Comment: In summary, the available evidence is currently insufficient to determine the role of this variant in disease. Therefore, it has been classified as a Variant of Uncertain Significance. Algorithms developed to predict the effect of missense changes on protein structure and function (SIFT, PolyPhen-2, Align-GVGD) all suggest that this variant is likely to be tolerated, but these predictions have not been confirmed by published functional studies and their clinical significance is uncertain. This variant has not been reported in the literature in individuals with PLCB1-related conditions. This variant is not present in population databases (ExAC no frequency). This sequence change replaces methionine with isoleucine at codon 1091 of the PLCB1 protein (p.Met1091Ile). The methionine residue is moderately conserved and there is a small physicochemical difference between methionine and isoleucine.